The following is an entry in ClinVar:

ClinVar aggregate classification (germline): Benign. Review status: criteria provided, multiple submitters, no conflicts (2 of 4 stars). 4 submissions from 4 submitters: Benign (4). Last evaluated 2021-07-15.

Conditions:
Spermatogenic failure 43. Identifiers: MedGen C5231490, MONDO:0032898, OMIM 618751.

Allele frequency attached by ClinVar (database versions not stated): 1000 Genomes Project 30x 0.72205; TOPMed 0.74410; gnomAD 0.75097 and 0.75205; ExAC 0.75565; ESP Exome Variant Server 0.75609.
gnomAD v4.1: 1,251,449 of 1,613,346 alleles (78%); highest among the groups gnomAD compares: Middle Eastern, 82%; 487,090 homozygotes.

Submissions (4):

Genome-Nilou Lab
Classification: Benign for Spermatogenic failure 43. Last evaluated: 2021-07-15. Review status: criteria provided, single submitter. Criteria: ACMG Guidelines, 2015. Collection method: clinical testing. Allele origin: germline. Affected: no.

GeneDx
Classification: Benign. Last evaluated: 2021-05-04. Review status: criteria provided, single submitter. Criteria: GeneDx Variant Classification Process June 2021. Collection method: clinical testing. Allele origin: germline. Affected: yes.

Laboratory for Molecular Medicine, Mass General Brigham Personalized Medicine
Classification: Benign. Last evaluated: 2016-03-29. Review status: criteria provided, single submitter. Criteria: LMM Criteria. Collection method: clinical testing. Allele origin: germline.
Comment: Variant identified in a genome or exome case(s) and assessed due to predicted null impact of the variant or pathogenic assertions in the literature or databases. Disclaimer: This variant has not undergone full assessment. The following are preliminary notes: Frequency

Breakthrough Genomics
Classification: Benign. Review status: criteria provided, single submitter. Criteria: ACMG Guidelines, 2015. Collection method: not provided. Allele origin: germline. Inheritance: Autosomal recessive inheritance. Affected: yes.

NM_024867.4(SPEF2):c.2800G>C (p.Ala934Pro)

Gene: SPEF2 (sperm flagellar 2; plus strand). Cytogenetic location: 5p13.2.
Variant type: single nucleotide variant.
Coding change: c.2800G>C on transcript NM_024867.4 (MANE Select); coding-DNA position 2800, G replaced by C.
Protein change: p.Ala934Pro; replaces alanine 934 with proline.
Molecular consequence: missense variant.
Genome position (GRCh38, 1-based): chr5:35,709,082, G>C. VCF-style: chr5-35709082-G-C. GRCh37 (hg19) VCF-style: chr5-35709184-G-C.
Other names: short protein forms A934P.
Identifiers: ClinVar variation 403479 (VCV000403479.9), dbSNP rs13170390, ClinGen allele CA3230897.